The following is an entry in ClinVar:

ClinVar aggregate classification (germline): Uncertain significance. Review status: criteria provided, multiple submitters, no conflicts (2 of 4 stars). 2 submissions from 2 submitters: Uncertain significance (2). Last evaluated 2025-12-15.

Conditions:
Inborn genetic diseases. Identifiers: MedGen C0950123, MeSH D030342.
Familial cold autoinflammatory syndrome 2 (FCAS2). Identifiers: Orphanet 247868, MedGen C2673198, MONDO:0012724, OMIM 611762.

Allele frequency attached by ClinVar (database versions not stated): gnomAD exomes below 0.00001 and 0.00004; TOPMed below 0.00001; gnomAD 0.00001.
gnomAD v4.1: 51 of 1,612,078 alleles (0.0032%); highest among the groups gnomAD compares: Non-Finnish European, 0.0042%; no homozygotes.

Submissions (2):

Ambry Genetics
Classification: Uncertain significance for Inborn genetic diseases. Last evaluated: 2025-12-15. Review status: criteria provided, single submitter. Criteria: Ambry Variant Classification Scheme 2023. Collection method: clinical testing. Allele origin: germline.

Labcorp Genetics (formerly Invitae), Labcorp
Classification: Uncertain significance for Familial cold autoinflammatory syndrome 2. Last evaluated: 2019-11-25. Review status: criteria provided, single submitter. Criteria: Invitae Variant Classification Sherloc (09022015). Collection method: clinical testing. Allele origin: germline.
Comment: In summary, the available evidence is currently insufficient to determine the role of this variant in disease. Therefore, it has been classified as a Variant of Uncertain Significance. Algorithms developed to predict the effect of missense changes on protein structure and function are either unavailable or do not agree on the potential impact of this missense change (SIFT: "Tolerated"; PolyPhen-2: "Probably Damaging"; Align-GVGD: "Class C0"). This variant has not been reported in the literature in individuals with NLRP12-related conditions. This variant is not present in population databases (ExAC no frequency). This sequence change replaces cysteine with glycine at codon 1061 of the NLRP12 protein (p.Cys1061Gly). The cysteine residue is moderately conserved and there is a large physicochemical difference between cysteine and glycine.

NM_144687.4(NLRP12):c.3181T>G (p.Cys1061Gly)

Gene: NLRP12 (NLR family pyrin domain containing 12; minus strand). Cytogenetic location: 19q13.42.
Variant type: single nucleotide variant.
Coding change: c.3181T>G on transcript NM_144687.4 (MANE Select); coding-DNA position 3181, T replaced by G.
Protein change: p.Cys1061Gly; replaces cysteine 1061 with glycine.
Molecular consequence: missense variant.
Genome position (GRCh38, 1-based): chr19:53,794,054, A>C on the plus strand (T>G on the coding strand, the complement: NLRP12 is on the minus strand). VCF-style: chr19-53794054-A-C. GRCh37 (hg19) VCF-style: chr19-54297308-A-C.
Other names: c.3184T>G, p.Cys1062Gly (NM_001277126.2); c.3010T>G, p.Cys1004Gly (NM_001277129.1); c.3181T>G (NM_144687.2); short protein forms C1004G, C1061G, C1062G.
Identifiers: ClinVar variation 855846 (VCV000855846.10), dbSNP rs1345613811, ClinGen allele CA407407142.